The following is an entry in ClinVar:

ClinVar aggregate classification (germline): Uncertain significance. Review status: criteria provided, multiple submitters, no conflicts (2 of 4 stars). 2 submissions from 2 submitters: Uncertain significance (2). Last evaluated 2025-01-16.

Conditions:
Inborn genetic diseases. Identifiers: MedGen C0950123, MeSH D030342.

Allele frequency attached by ClinVar (database versions not stated): gnomAD exomes below 0.00001; gnomAD 0.00001.
gnomAD v4.1: 2 of 1,613,812 alleles (0.00012%); highest among the groups gnomAD compares: Non-Finnish European, 0.00017%; no homozygotes.

Submissions (2):

Ambry Genetics
Classification: Uncertain significance for Inborn genetic diseases. Last evaluated: 2025-01-16. Review status: criteria provided, single submitter. Criteria: Ambry Variant Classification Scheme 2023. Collection method: clinical testing. Allele origin: germline.

GeneDx
Classification: Uncertain significance. Last evaluated: 2022-11-23. Review status: criteria provided, single submitter. Criteria: GeneDx Variant Classification Process June 2021. Collection method: clinical testing. Allele origin: germline. Affected: yes.
Comment: Not observed at significant frequency in large population cohorts (gnomAD); In silico analysis supports that this missense variant does not alter protein structure/function; Has not been previously published as pathogenic or benign to our knowledge

NM_014363.6(SACS):c.12173G>A (p.Arg4058Lys)

Gene: SACS (sacsin molecular chaperone; minus strand). Cytogenetic location: 13q12.12.
Variant type: single nucleotide variant.
Coding change: c.12173G>A on transcript NM_014363.6 (MANE Select); coding-DNA position 12173, G replaced by A.
Protein change: p.Arg4058Lys; replaces arginine 4058 with lysine.
Molecular consequence: missense variant.
Genome position (GRCh38, 1-based): chr13:23,331,703, C>T on the plus strand (G>A on the coding strand, the complement: SACS is on the minus strand). VCF-style: chr13-23331703-C-T. GRCh37 (hg19) VCF-style: chr13-23905842-C-T.
Other names: c.11732G>A, p.Arg3911Lys (NM_001278055.2); short protein forms R3911K, R4058K.
Identifiers: ClinVar variation 1800946 (VCV001800946.2), dbSNP rs1397700836, ClinGen allele CA387508333.